The following is an entry in ClinVar:

NM_004304.5(ALK):c.3406T>G (p.Ser1136Ala)

Gene: ALK (ALK receptor tyrosine kinase; minus strand). Cytogenetic location: 2p23.2.
Variant type: single nucleotide variant.
Coding change: c.3406T>G on transcript NM_004304.5 (MANE Select); coding-DNA position 3406, T replaced by G.
Protein change: p.Ser1136Ala; replaces serine 1136 with alanine.
Molecular consequence: missense variant.
Genome position (GRCh38, 1-based): chr2:29,222,561, A>C on the plus strand (T>G on the coding strand, the complement: ALK is on the minus strand). VCF-style: chr2-29222561-A-C. GRCh37 (hg19) VCF-style: chr2-29445427-A-C.
Other names: c.202T>G, p.Ser68Ala (NM_001353765.2); short protein forms S1136A, S68A.
Identifiers: ClinVar variation 1021741 (VCV001021741.13), dbSNP rs1669834540, ClinGen allele CA346463927.

ClinVar aggregate classification (germline): Conflicting classifications of pathogenicity. Review status: criteria provided, conflicting classifications (1 of 4 stars). 3 submissions from 3 submitters: Uncertain significance (2); Likely benign (1). Last evaluated 2025-09-02.

Conditions:
Hereditary cancer-predisposing syndrome. Also called: Hereditary neoplastic syndrome; Neoplastic Syndromes, Hereditary; Tumor predisposition; Hereditary Cancer Syndrome. Identifiers: Orphanet 140162, MedGen C0027672, MeSH D009386, MONDO:0015356.
Neuroblastoma, susceptibility to, 3. Also called: ALK-Related Neuroblastic Tumor Susceptibility. Identifiers: Orphanet 635, MedGen C2751681, MONDO:0013083, OMIM 613014.

Allele frequency attached by ClinVar (database versions not stated): gnomAD exomes below 0.00001.
gnomAD v4.1: 1 of 1,614,010 alleles (0.000062%); highest among the groups gnomAD compares: Non-Finnish European, 0.000085%; no homozygotes.

Submissions (3):

Labcorp Genetics (formerly Invitae), Labcorp
Classification: Uncertain significance for Neuroblastoma, susceptibility to, 3. Last evaluated: 2025-09-02. Review status: criteria provided, single submitter. Criteria: Invitae Variant Classification Sherloc (09022015). Collection method: clinical testing. Allele origin: germline.
Comment: This sequence change replaces serine, which is neutral and polar, with alanine, which is neutral and non-polar, at codon 1136 of the ALK protein (p.Ser1136Ala). This variant is not present in population databases (gnomAD no frequency). This variant has not been reported in the literature in individuals affected with ALK-related conditions. ClinVar contains an entry for this variant (Variation ID: 1021741). An algorithm developed to predict the effect of missense changes on protein structure and function (PolyPhen-2) suggests that this variant is likely to be tolerated. In summary, the available evidence is currently insufficient to determine the role of this variant in disease. Therefore, it has been classified as a Variant of Uncertain Significance.

Ambry Genetics
Classification: Likely benign for Hereditary cancer-predisposing syndrome. Last evaluated: 2025-07-01. Review status: criteria provided, single submitter. Criteria: Ambry Variant Classification Scheme 2023. Collection method: clinical testing. Allele origin: germline.

GeneDx
Classification: Uncertain significance. Last evaluated: 2023-05-30. Review status: criteria provided, single submitter. Criteria: GeneDx Variant Classification Process June 2021. Collection method: clinical testing. Allele origin: germline. Affected: yes.
Comment: Not observed at significant frequency in large population cohorts (gnomAD); In silico analysis supports that this missense variant does not alter protein structure/function; Has not been previously published as pathogenic or benign to our knowledge